The following is an entry in ClinVar:

ClinVar aggregate classification (germline): Uncertain significance (1 of 4 stars; one submission).

Conditions:
Hypertrophic cardiomyopathy. Also called: HYPERTROPHIC MYOCARDIOPATHY. Identifiers: Orphanet 217569, MedGen C0007194, MeSH D002312, MONDO:0005045, HP:0001639.

Submission:

Labcorp Genetics (formerly Invitae), Labcorp
Classification: Uncertain significance for Hypertrophic cardiomyopathy. Last evaluated: 2023-08-08. Review status: criteria provided, single submitter. Criteria: Invitae Variant Classification Sherloc (09022015). Collection method: clinical testing. Allele origin: germline.
Comment: This sequence change falls in intron 18 of the MYOM1 gene. It does not directly change the encoded amino acid sequence of the MYOM1 protein. It affects a nucleotide within the consensus splice site. In summary, the available evidence is currently insufficient to determine the role of this variant in disease. Therefore, it has been classified as a Variant of Uncertain Significance. Variants that disrupt the consensus splice site are a relatively common cause of aberrant splicing (PMID: 17576681, 9536098). Algorithms developed to predict the effect of sequence changes on RNA splicing suggest that this variant is not likely to affect RNA splicing. This variant has not been reported in the literature in individuals affected with MYOM1-related conditions. This variant is not present in population databases (gnomAD no frequency).

Literature cited by the submitters: PubMed 17576681; PubMed 9536098.

NM_003803.4(MYOM1):c.2794+6A>G

Gene: MYOM1 (myomesin 1; minus strand). Cytogenetic location: 18p11.31.
Variant type: single nucleotide variant.
Coding change: c.2794+6A>G on transcript NM_003803.4 (MANE Select); 6 bases into the intron after coding-DNA position 2794, A replaced by G.
Molecular consequence: intron variant.
Genome position (GRCh38, 1-based): chr18:3,129,226, T>C on the plus strand (A>G on the coding strand, the complement: MYOM1 is on the minus strand). VCF-style: chr18-3129226-T-C. GRCh37 (hg19) VCF-style: chr18-3129224-T-C.
Other names: c.2506+2149A>G (NM_019856.2).
Identifiers: ClinVar variation 2782064 (VCV002782064.3), dbSNP rs2510621145, ClinGen allele CA2739268553.